The following is an entry in ClinVar:

ClinVar aggregate classification (germline): Uncertain significance. Review status: criteria provided, multiple submitters, no conflicts (2 of 4 stars). 2 submissions from 2 submitters: Uncertain significance (2). Last evaluated 2024-09-10.

Conditions:
Epidermolysis bullosa simplex with nail dystrophy (EBS5D). Identifiers: MedGen C4225309, MONDO:0014661, OMIM 616487.
Epidermolysis bullosa simplex, Ogna type (EBS5A). Also called: Pidermolysis bullosa simplex 5A, Ogna type; EPIDERMOLYSIS BULLOSA SIMPLEX 5A, OGNA TYPE. Identifiers: Orphanet 79401, MedGen C0432317, MONDO:0007555, OMIM 131950.
Autosomal recessive limb-girdle muscular dystrophy type 2Q (LGMDR17). Also called: MUSCULAR DYSTROPHY, LIMB-GIRDLE, AUTOSOMAL RECESSIVE 17. Identifiers: Orphanet 254361, MedGen C3150989, MONDO:0013390, OMIM 613723.
Epidermolysis bullosa simplex 5B, with muscular dystrophy (EBS5B). Also called: EPIDERMOLYSIS BULLOSA SIMPLEX AND LIMB-GIRDLE MUSCULAR DYSTROPHY; Epidermolysis bullosa simplex with muscular dystrophy. Identifiers: Orphanet 257, MedGen C2931072, MONDO:0009181, OMIM 226670.
Epidermolysis bullosa simplex 5C, with pyloric atresia (EBS5C). Also called: PLEC-Related Epidermolysis Bullosa with Pyloric Atresia; Epidermolysis bullosa simplex with pyloric atresia; PLEC1-Related Epidermolysis Bullosa with Pyloric Atresia. Identifiers: Orphanet 158684, MedGen C2677349, MONDO:0012807, OMIM 612138.

gnomAD v4.1: 3 of 1,544,572 alleles (0.00019%); highest among the groups gnomAD compares: Admixed American, 0.0019%; no homozygotes.

Submissions (2):

Labcorp Genetics (formerly Invitae), Labcorp
Classification: Uncertain significance for Autosomal recessive limb-girdle muscular dystrophy type 2Q; Epidermolysis bullosa simplex, Ogna type; Epidermolysis bullosa simplex with nail dystrophy; Epidermolysis bullosa simplex 5C, with pyloric atresia; Epidermolysis bullosa simplex 5B, with muscular dystrophy. Last evaluated: 2024-09-10. Review status: criteria provided, single submitter. Criteria: Invitae Variant Classification Sherloc (09022015). Collection method: clinical testing. Allele origin: germline.
Comment: This sequence change replaces glutamine, which is neutral and polar, with glutamic acid, which is acidic and polar, at codon 2100 of the PLEC protein (p.Gln2100Glu). This variant is present in population databases (no rsID available, gnomAD 0.004%). This variant has not been reported in the literature in individuals affected with PLEC-related conditions. An algorithm developed to predict the effect of missense changes on protein structure and function (PolyPhen-2) suggests that this variant is likely to be tolerated. In summary, the available evidence is currently insufficient to determine the role of this variant in disease. Therefore, it has been classified as a Variant of Uncertain Significance.

Revvity Omics, Revvity
Classification: Uncertain significance. Last evaluated: 2023-08-28. Review status: criteria provided, single submitter. Criteria: ACMG Guidelines, 2015. Collection method: clinical testing. Allele origin: germline.

NM_201384.3(PLEC):c.6217C>G (p.Gln2073Glu)

Gene: PLEC (plectin; minus strand). Cytogenetic location: 8q24.3.
Variant type: single nucleotide variant.
Coding change: c.6217C>G on transcript NM_201384.3 (MANE Select); coding-DNA position 6217, C replaced by G.
Protein change: p.Gln2073Glu; replaces glutamine 2073 with glutamic acid.
Molecular consequence: missense variant. On other transcripts: intron variant (1).
Genome position (GRCh38, 1-based): chr8:143,923,712, G>C on the plus strand (C>G on the coding strand, the complement: PLEC is on the minus strand). VCF-style: chr8-143923712-G-C. GRCh37 (hg19) VCF-style: chr8-144997880-G-C.
Other names: c.6298C>G, p.Gln2100Glu (NM_000445.5); c.6175C>G, p.Gln2059Glu (NM_201378.4); c.6151C>G, p.Gln2051Glu (NM_201379.3); c.6628C>G, p.Gln2210Glu (NM_201380.4); c.6121C>G, p.Gln2041Glu (NM_201381.3); c.6217C>G, p.Gln2073Glu (NM_201382.4); c.6229C>G, p.Gln2077Glu (NM_201383.3); c.4126-1317C>G (NM_001410941.1); short protein forms Q2041E, Q2051E, Q2059E, Q2073E, Q2077E, Q2100E, Q2210E.
Identifiers: ClinVar variation 3752890 (VCV003752890.3).